The following is an entry in ClinVar:

ClinVar aggregate classification (germline): Likely pathogenic. Review status: criteria provided, multiple submitters, no conflicts (2 of 4 stars). 3 submissions from 3 submitters: Likely pathogenic (3). Last evaluated 2025-08-25.

Conditions:
Hereditary cancer-predisposing syndrome. Also called: Hereditary neoplastic syndrome; Neoplastic Syndromes, Hereditary; Tumor predisposition; Hereditary Cancer Syndrome. Identifiers: Orphanet 140162, MedGen C0027672, MeSH D009386, MONDO:0015356.
Familial cancer of breast. Also called: hereditary breast carcinoma; BREAST CANCER, FAMILIAL; Hereditary breast cancer. Identifiers: Orphanet 227535, MedGen C0346153, MONDO:0016419, OMIM 114480. Disease mechanism: loss of function.

Submissions (3):

Ambry Genetics
Classification: Likely pathogenic for Hereditary cancer-predisposing syndrome. Last evaluated: 2025-08-25. Review status: criteria provided, single submitter. Criteria: Ambry Variant Classification Scheme 2023. Collection method: clinical testing. Allele origin: germline.
Comment: The c.1543-1G>A intronic variant results from a G to A substitution one nucleotide upstream from coding exon 14 of the CHEK2 gene. This nucleotide position is highly conserved in available vertebrate species. In silico splice site analysis predicts that this alteration will weaken the native splice acceptor site and will result in the creation or strengthening of a novel splice acceptor site; however, direct evidence is insufficient at this time (Ambry internal data). This alteration occurs at the 3' terminus of the CHEK2 gene, is not expected to trigger nonsense-mediated mRNA decay, and only impacts the last 5% of the protein. The exact functional effect of this alteration is unknown; however, a significant portion of the protein is predicted to be impacted and the region predicted to be impacted is critical for protein function (Ambry internal data). This variant is considered to be rare based on population cohorts in the Genome Aggregation Database (gnomAD). Based on the majority of available evidence to date, this variant is likely to be pathogenic.

Labcorp Genetics (formerly Invitae), Labcorp
Classification: Likely pathogenic for Familial cancer of breast. Last evaluated: 2024-10-10. Review status: criteria provided, single submitter. Criteria: Invitae Variant Classification Sherloc (09022015). Collection method: clinical testing. Allele origin: germline.
Comment: This sequence change affects an acceptor splice site in intron 14 of the CHEK2 gene. RNA analysis indicates that disruption of this splice site induces altered splicing and likely disrupts the C-terminus of the protein. This variant is not present in population databases (gnomAD no frequency). This variant has not been reported in the literature in individuals affected with CHEK2-related conditions. ClinVar contains an entry for this variant (Variation ID: 836113). Variants that disrupt the consensus splice site are a relatively common cause of aberrant splicing (PMID: 17576681, 9536098). Studies have shown that disruption of this splice site results in skipping of exon 15 and activation of a cryptic splice site and introduces a new termination codon (internal data). However the mRNA is not expected to undergo nonsense-mediated decay. This variant disrupts the nuclear localization signal (NLS) of the CHEK2 protein, which is critical for proper nuclear localization (PMID: 18004398, 12909615). While functional studies have not been performed to directly test the effect of this variant on CHEK2 protein function, this suggests that disruption of this region of the protein is causative of disease. In summary, the currently available evidence indicates that the variant is pathogenic, but additional data are needed to prove that conclusively. Therefore, this variant has been classified as Likely Pathogenic.

Myriad Genetics, Inc.
Classification: Likely pathogenic for Familial cancer of breast. Last evaluated: 2023-06-29. Review status: criteria provided, single submitter. Criteria: Myriad Autosomal Dominant, Autosomal Recessive and X-Linked Classification Criteria (2023). Collection method: clinical testing. Allele origin: unknown.
Comment: This variant is considered likely pathogenic. This variant occurs within a consensus splice junction and is predicted to result in abnormal mRNA splicing of either an out-of-frame exon or an in-frame exon necessary for protein stability and/or normal function.

Literature cited by the submitters: PubMed 17576681 (cited by Labcorp Genetics (formerly Invitae), Labcorp); PubMed 9536098 (cited by Labcorp Genetics (formerly Invitae), Labcorp); PubMed 18004398 (cited by Labcorp Genetics (formerly Invitae), Labcorp); PubMed 12909615 (cited by Labcorp Genetics (formerly Invitae), Labcorp).

NM_007194.4(CHEK2):c.1543-1G>A

Gene: CHEK2 (checkpoint kinase 2; minus strand). Cytogenetic location: 22q12.1.
Variant type: single nucleotide variant.
Coding change: c.1543-1G>A on transcript NM_007194.4 (MANE Select); the canonical splice acceptor site of the intron before coding-DNA position 1543, G replaced by A.
Molecular consequence: splice acceptor variant.
Genome position (GRCh38, 1-based): chr22:28,687,987, C>T on the plus strand (G>A on the coding strand, the complement: CHEK2 is on the minus strand). VCF-style: chr22-28687987-C-T. GRCh37 (hg19) VCF-style: chr22-29083975-C-T.
Other names: c.880-1G>A (NM_001437942.1, NM_001257387.3); c.1342-1G>A (NM_001349956.3); c.1456-1G>A (NM_145862.3); c.1549-1G>A (NM_001438295.1); c.1636-1G>A (NM_001438293.1); c.1585-1G>A (NM_001438294.1); c.1672-1G>A (NM_001005735.3).
Identifiers: ClinVar variation 836113 (VCV000836113.12), dbSNP rs2052190289, ClinGen allele CA411091535.